The following is an entry in ClinVar:

NM_004656.4(BAP1):c.2121C>T (p.Gly707=)

Gene: BAP1 (BRCA1 associated deubiquitinase 1; minus strand). Cytogenetic location: 3p21.1.
Variant type: single nucleotide variant.
Coding change: c.2121C>T on transcript NM_004656.4 (MANE Select); coding-DNA position 2121, C replaced by T.
Protein change: p.Gly707=; no amino-acid change (glycine 707 retained).
Molecular consequence: synonymous variant.
Genome position (GRCh38, 1-based): chr3:52,402,357, G>A on the plus strand (C>T on the coding strand, the complement: BAP1 is on the minus strand). VCF-style: chr3-52402357-G-A. GRCh37 (hg19) VCF-style: chr3-52436373-G-A.
Other names: c.2067C>T, p.Gly689= (NM_001410772.1).
Identifiers: ClinVar variation 1786249 (VCV001786249.6), dbSNP rs763400204, ClinGen allele CA2436586.

ClinVar aggregate classification (germline): Benign/Likely benign. Review status: criteria provided, multiple submitters, no conflicts (2 of 4 stars). 3 submissions from 3 submitters: Benign (1); Likely benign (2). Last evaluated 2024-11-05.

Conditions:
Hereditary cancer-predisposing syndrome. Also called: Neoplastic Syndromes, Hereditary; Tumor predisposition; Hereditary Cancer Syndrome; Hereditary neoplastic syndrome. Identifiers: Orphanet 140162, MedGen C0027672, MeSH D009386, MONDO:0015356.
BAP1-related tumor predisposition syndrome (TPDS1). Also called: COMMON Syndrome; TUMOR PREDISPOSITION SYNDROME 1; BAP1 tumor predisposition syndrome; Tumor susceptibility linked to germline BAP1 mutations. Identifiers: Orphanet 289539, MedGen C3280492, MONDO:0013692, OMIM 614327.

Allele frequency attached by ClinVar (database versions not stated): gnomAD exomes below 0.00001; ExAC 0.00002.

Submissions (3):

Labcorp Genetics (formerly Invitae), Labcorp
Classification: Likely benign for BAP1-related tumor predisposition syndrome. Last evaluated: 2024-11-05. Review status: criteria provided, single submitter. Criteria: Invitae Variant Classification Sherloc (09022015). Collection method: clinical testing. Allele origin: germline.

Myriad Genetics, Inc.
Classification: Benign for BAP1-related tumor predisposition syndrome. Last evaluated: 2024-07-18. Review status: criteria provided, single submitter. Criteria: Myriad Autosomal Dominant, Autosomal Recessive and X-Linked Classification Criteria (2023). Collection method: clinical testing. Allele origin: unknown.
Comment: This variant is considered benign. This variant is a silent/synonymous amino acid change and it is not expected to impact splicing.

Ambry Genetics
Classification: Likely benign for Hereditary cancer-predisposing syndrome. Last evaluated: 2020-08-20. Review status: criteria provided, single submitter. Criteria: Ambry Variant Classification Scheme 2023. Collection method: clinical testing. Allele origin: germline.